The following is an entry in ClinVar:

ClinVar aggregate classification (germline): Uncertain significance (1 of 4 stars; one submission).

Conditions:
Wolman disease (WOLD). Also called: Acid cholesteryl ester hydrolase deficiency, Wolman type; Acid lipase disease; LYSOSOMAL ACID LIPASE DEFICIENCY, ACUTE INFANTILE; LYSOSOMAL ACID LIPASE DEFICIENCY, COMPLETE; LIPA DEFICIENCY, COMPLETE; LAL DEFICIENCY, COMPLETE. Identifiers: Orphanet 75233, MedGen C0043208, MONDO:0019148, OMIM 620151.

Allele frequency attached by ClinVar (database versions not stated): ExAC 0.00001; gnomAD 0.00001; gnomAD exomes 0.00001; TOPMed 0.00001.
gnomAD v4.1: 8 of 1,572,310 alleles (0.00051%); highest among the groups gnomAD compares: Admixed American, 0.012%; no homozygotes.

Submission:

Labcorp Genetics (formerly Invitae), Labcorp
Classification: Uncertain significance for Wolman disease. Last evaluated: 2022-04-17. Review status: criteria provided, single submitter. Criteria: Invitae Variant Classification Sherloc (09022015). Collection method: clinical testing. Allele origin: germline.
Comment: This sequence change replaces tryptophan, which is neutral and slightly polar, with glycine, which is neutral and non-polar, at codon 44 of the LIPA protein (p.Trp44Gly). This variant is present in population databases (rs761616814, gnomAD 0.01%). This variant has not been reported in the literature in individuals affected with LIPA-related conditions. Algorithms developed to predict the effect of missense changes on protein structure and function are either unavailable or do not agree on the potential impact of this missense change (SIFT: "Tolerated"; PolyPhen-2: "Probably Damaging"; Align-GVGD: "Class C0"). In summary, the available evidence is currently insufficient to determine the role of this variant in disease. Therefore, it has been classified as a Variant of Uncertain Significance.

NM_000235.4(LIPA):c.130T>G (p.Trp44Gly)

Gene: LIPA (lipase A, lysosomal acid type; minus strand). Cytogenetic location: 10q23.31.
Variant type: single nucleotide variant.
Coding change: c.130T>G on transcript NM_000235.4 (MANE Select); coding-DNA position 130, T replaced by G.
Protein change: p.Trp44Gly; replaces tryptophan 44 with glycine.
Molecular consequence: missense variant. On other transcripts: intron variant (1).
Genome position (GRCh38, 1-based): chr10:89,245,775, A>C on the plus strand (T>G on the coding strand, the complement: LIPA is on the minus strand). VCF-style: chr10-89245775-A-C. GRCh37 (hg19) VCF-style: chr10-91005532-A-C.
Other names: c.130T>G, p.Trp44Gly (NM_001127605.3); c.-120+5962T>G (NM_001288979.2); short protein forms W44G.
Identifiers: ClinVar variation 2149671 (VCV002149671.1), dbSNP rs761616814, ClinGen allele CA5593805.